The following is an entry in ClinVar:

NM_000152.5(GAA):c.421C>A (p.Leu141Met)

Gene: GAA (alpha glucosidase; plus strand). Cytogenetic location: 17q25.3.
Variant type: single nucleotide variant.
Coding change: c.421C>A on transcript NM_000152.5 (MANE Select); coding-DNA position 421, C replaced by A.
Protein change: p.Leu141Met; replaces leucine 141 with methionine.
Molecular consequence: missense variant.
Genome position (GRCh38, 1-based): chr17:80,105,007, C>A. VCF-style: chr17-80105007-C-A. GRCh37 (hg19) VCF-style: chr17-78078806-C-A.
Other names: c.421C>A (LRG_673t1, NM_000152.4); c.421C>A, p.Leu141Met (NM_001079803.3, NM_001079804.3); short protein forms L141M.
Identifiers: ClinVar variation 550397 (VCV000550397.4), dbSNP rs1379595858, ClinGen allele CA401361229.
Genomic context (GRCh38, chr17:80,105,007, plus strand): 5'-CAGATGGGGCAGCCCTGGTGCTTCTTCCCACCCAGCTACCCCAGCTACAAGCTGGAGAAC[C>A]TGAGCTCCTCTGAAATGGGCTACACGGCCACCCTGACCCGTACCACCCCCACCTTCTTCC-3'
Protein context (NP_000143.2, residues 131-151): PSYPSYKLEN[Leu141Met]SSSEMGYTAT

ClinVar aggregate classification (germline): Uncertain significance. Review status: criteria provided, single submitter (1 of 4 stars). 3 submissions from 3 submitters: Uncertain significance (1). 2 of the submissions do not count toward it. Last evaluated 2026-07-01.

Conditions:
Glycogen storage disease, type II (IOPD). Also called: POMPE DISEASE, INFANTILE-ONSET; GLYCOGEN STORAGE DISEASE II, INFANTILE-ONSET; ACID ALPHA-GLUCOSIDASE DEFICIENCY, INFANTILE-ONSET; GAA DEFICIENCY, INFANTILE-ONSET; ACID MALTASE DEFICIENCY, INFANTILE-ONSET; CARDIOMEGALIA GLYCOGENICA DIFFUSA. Identifiers: Orphanet 365, MedGen C0017921, MONDO:0009290, OMIM 232300.

Submissions (3):

Genomenon, Inc
Classification: Uncertain significance for Glycogen storage disease, type II. Last evaluated: 2026-07-01. Review status: criteria provided, single submitter. Criteria: Genomenon Sequence Variant Interpretation Standards - Updated. Collection method: curation. Allele origin: germline. Affected: yes.
Comment: GAA p.Leu141Met (c.421C>A) is a missense variant that changes the amino acid at codon 141 from Leucine to Methionine. This variant has been observed in at least one proband with a GAA-related disorder in the compound heterozygous and/or homozygous state (PMID:18458862). It is absent or not present at a significant frequency in gnomAD. In conclusion, we classify GAA p.Leu141Met (c.421C>A) as a variant of uncertain significance.

Natera, Inc.
Classification: Uncertain significance for Glycogen storage disease type II. Last evaluated: 2025-02-17. Review status: no assertion criteria provided. Collection method: clinical testing. Allele origin: germline. Not counted in ClinVar's aggregate classification.

Counsyl
Classification: Uncertain significance for Glycogen storage disease, type II. Last evaluated: 2017-01-20. Review status: no assertion criteria provided. Collection method: clinical testing. Allele origin: unknown. Not counted in ClinVar's aggregate classification.

Literature cited by the submitters: PubMed 18458862 (cited by Genomenon, Inc and Counsyl).